The following is an entry in ClinVar:

ClinVar aggregate classification (germline): Conflicting classifications of pathogenicity. Review status: criteria provided, conflicting classifications (1 of 4 stars). 3 submissions from 3 submitters: Uncertain significance (1); Likely benign (2). Last evaluated 2024-08-21.

Conditions:
Hereditary cancer-predisposing syndrome. Also called: Hereditary neoplastic syndrome; Hereditary Cancer Syndrome; Neoplastic Syndromes, Hereditary; Tumor predisposition. Identifiers: Orphanet 140162, MedGen C0027672, MeSH D009386, MONDO:0015356.
Hereditary breast ovarian cancer syndrome. Also called: BRCA1- and BRCA2-Associated Hereditary Breast and Ovarian Cancer; Hereditary breast and ovarian cancer syndrome; Hereditary breast and ovarian cancer; Hereditary breast and ovarian cancer syndrome (HBOC); Breast and ovarian cancer; Hereditary breast and/or ovarian cancer syndrome. Identifiers: Orphanet 145, MedGen C0677776, MeSH D061325, MONDO:0003582. Disease mechanism: loss of function.

Allele frequency attached by ClinVar (database versions not stated): TOPMed below 0.00001.

Submissions (3):

Ambry Genetics
Classification: Likely benign for Hereditary cancer-predisposing syndrome. Last evaluated: 2024-08-21. Review status: criteria provided, single submitter. Criteria: Ambry Variant Classification Scheme 2023. Collection method: clinical testing. Allele origin: germline.

Labcorp Genetics (formerly Invitae), Labcorp
Classification: Likely benign for Hereditary breast ovarian cancer syndrome. Last evaluated: 2022-07-26. Review status: criteria provided, single submitter. Criteria: Invitae Variant Classification Sherloc (09022015). Collection method: clinical testing. Allele origin: germline.

GeneDx
Classification: Uncertain significance. Last evaluated: 2016-06-14. Review status: criteria provided, single submitter. Criteria: GeneDx Variant Classification (06012015). Collection method: clinical testing. Allele origin: germline. Affected: yes.
Comment: This variant is denoted BRCA2 c.9937A>G at the cDNA level, p.Lys3313Glu (K3313E) at the protein level, and results in the change of a Lysine to a Glutamic Acid (AAG>GAG). Using alternate nomenclature, this variant would be defined as BRCA2 10165A>G. This variant has not, to our knowledge, been published in the literature as pathogenic or benign. BRCA2 Lys3313Glu was not observed in approximately 6,500 individuals of European and African American ancestry in the NHLBI Exome Sequencing Project, suggesting it is not a common benign variant in these populations. Since Lysine and Glutamic Acid differ in polarity, charge, size or other properties, this is considered a non-conservative amino acid substitution. BRCA2 Lys3313Glu occurs at a position where amino acids with properties similar to Lysine are tolerated across species and is located in the nuclear localization signal (NLS2) domain (Borg 2010, UniProt). In silico analyses are inconsistent regarding the effect this variant may have on protein structure and function. Based on currently available evidence, it is unclear whether BRCA2 Lys3313Glu is a pathogenic or benign variant. We consider it to be a variant of uncertain significance.

NM_000059.4(BRCA2):c.9937A>G (p.Lys3313Glu)

Gene: BRCA2 (BRCA2 DNA repair associated; plus strand). Cytogenetic location: 13q13.1.
Variant type: single nucleotide variant.
Coding change: c.9937A>G on transcript NM_000059.4 (MANE Select); coding-DNA position 9937, A replaced by G.
Protein change: p.Lys3313Glu; replaces lysine 3313 with glutamic acid.
Molecular consequence: missense variant.
Genome position (GRCh38, 1-based): chr13:32,398,450, A>G. VCF-style: chr13-32398450-A-G. GRCh37 (hg19) VCF-style: chr13-32972587-A-G.
Other names: short protein forms K3313E.
Identifiers: ClinVar variation 234526 (VCV000234526.12), dbSNP rs876661063, ClinGen allele CA10577502.